The following is an entry in ClinVar:

NM_001099403.2(PRDM8):c.728G>T (p.Ser243Ile)

Gene: PRDM8 (PR/SET domain 8; plus strand). Cytogenetic location: 4q21.21.
Variant type: single nucleotide variant.
Coding change: c.728G>T on transcript NM_001099403.2 (MANE Select); coding-DNA position 728, G replaced by T.
Protein change: p.Ser243Ile; replaces serine 243 with isoleucine.
Molecular consequence: missense variant.
Genome position (GRCh38, 1-based): chr4:80,202,190, G>T. VCF-style: chr4-80202190-G-T. GRCh37 (hg19) VCF-style: chr4-81123344-G-T.
Other names: c.728G>T, p.Ser243Ile (NM_020226.4); short protein forms S243I.
Identifiers: ClinVar variation 944334 (VCV000944334.9), dbSNP rs764408979, ClinGen allele CA2982317.

ClinVar aggregate classification (germline): Uncertain significance (1 of 4 stars; one submission).

Conditions:
Early-onset Lafora body disease. Also called: Epilepsy, progressive myoclonic, 10. Identifiers: Orphanet 324290, MedGen C4225258, MONDO:0014717, OMIM 616640.

gnomAD v4.1: 5 of 1,612,062 alleles (0.00031%); highest among the groups gnomAD compares: Admixed American, 0.0083%; no homozygotes.

Submission:

Labcorp Genetics (formerly Invitae), Labcorp
Classification: Uncertain significance for Early-onset Lafora body disease. Last evaluated: 2019-04-25. Review status: criteria provided, single submitter. Criteria: Invitae Variant Classification Sherloc (09022015). Collection method: clinical testing. Allele origin: germline.
Comment: Algorithms developed to predict the effect of missense changes on protein structure and function (SIFT, PolyPhen-2, Align-GVGD) all suggest that this variant is likely to be tolerated, but these predictions have not been confirmed by published functional studies and their clinical significance is uncertain. In summary, the available evidence is currently insufficient to determine the role of this variant in disease. Therefore, it has been classified as a Variant of Uncertain Significance. This sequence change replaces serine with isoleucine at codon 243 of the PRDM8 protein (p.Ser243Ile). The serine residue is weakly conserved and there is a large physicochemical difference between serine and isoleucine. This variant is present in population databases (rs764408979, ExAC 0.009%). This variant has not been reported in the literature in individuals with PRDM8-related conditions.